The following is an entry in ClinVar:

NM_001082486.2(ACD):c.493+7T>C

Gene: ACD (ACD shelterin complex subunit and telomerase recruitment factor; minus strand). Cytogenetic location: 16q22.1.
Variant type: single nucleotide variant.
Coding change: c.493+7T>C on transcript NM_001082486.2 (MANE Select); 7 bases into the intron after coding-DNA position 493, T replaced by C.
Molecular consequence: intron variant.
Genome position (GRCh38, 1-based): chr16:67,659,222, A>G on the plus strand (T>C on the coding strand, the complement: ACD is on the minus strand). VCF-style: chr16-67659222-A-G. GRCh37 (hg19) VCF-style: chr16-67693125-A-G.
Other names: c.484+7T>C (NM_022914.3).
Identifiers: ClinVar variation 766234 (VCV000766234.41), dbSNP rs199626332, ClinGen allele CA8114654.

ClinVar aggregate classification (germline): Conflicting classifications of pathogenicity. Review status: criteria provided, conflicting classifications (1 of 4 stars). 4 submissions from 4 submitters: Uncertain significance (1); Likely benign (3). Last evaluated 2025-07-21.

Conditions:
Dyskeratosis congenita, autosomal dominant 6 (DKCA6). Identifiers: Orphanet 3322, MedGen C4225284, MONDO:0014690, OMIM 616553.

Allele frequency attached by ClinVar (database versions not stated): TOPMed 0.00005; gnomAD 0.00007 and 0.00008; ExAC 0.00013.
gnomAD v4.1: 106 of 1,614,010 alleles (0.0066%); highest among the groups gnomAD compares: Non-Finnish European, 0.0053%; no homozygotes.

Submissions (4):

Labcorp Genetics (formerly Invitae), Labcorp
Classification: Likely benign for Dyskeratosis congenita, autosomal dominant 6. Last evaluated: 2025-07-21. Review status: criteria provided, single submitter. Criteria: Invitae Variant Classification Sherloc (09022015). Collection method: clinical testing. Allele origin: germline.

Center for Genomic Medicine, Rigshospitalet, Copenhagen University Hospital
Classification: Likely benign. Last evaluated: 2025-03-04. Review status: criteria provided, single submitter. Criteria: ACMG Guidelines, 2015. Collection method: clinical testing. Allele origin: germline.

Blueprint Genetics
Classification: Likely benign. Last evaluated: 2024-07-10. Review status: criteria provided, single submitter. Criteria: ACMG Guidelines, 2015. Collection method: clinical testing. Allele origin: germline.

CeGaT Center for Human Genetics Tuebingen
Classification: Uncertain significance. Last evaluated: 2023-11-01. Review status: criteria provided, single submitter. Criteria: CeGaT Center For Human Genetics Tuebingen Variant Classification Criteria Version 2. Collection method: clinical testing. Allele origin: germline. Affected: yes. Observed: 1 variant allele.
Comment: ACD: PM2, BP4